The following is an entry in ClinVar:

NM_022081.6(HPS4):c.2016del (p.Gln672fs)

Gene: HPS4 (HPS4 biogenesis of lysosomal organelles complex 3 subunit 2; minus strand). Cytogenetic location: 22q12.1.
Variant type: Deletion.
Coding change: c.2016del on transcript NM_022081.6 (MANE Select); coding-DNA position 2016, one base deleted (G; older notation c.2016delG).
Protein change: p.Gln672fs; shifts the reading frame from glutamine 672.
Molecular consequence: frameshift variant. On other transcripts: 3 prime UTR variant (1), non-coding transcript variant (8), intron variant (2).
Genome position (GRCh38, 1-based): chr22:26,453,344, C deleted on the plus strand (G on the coding strand, the reverse complement: HPS4 is on the minus strand). VCF-style (leftmost placement, unchanged base first): chr22-26453343-GC-G. GRCh37 (hg19) VCF-style: chr22-26849309-GC-G.
Other names: c.2016del, p.Gln672fs (NM_001349896.1, NM_001349898.2, NM_001349899.2); c.2070del, p.Gln690fs (NM_001349900.2, NM_001349901.1); c.1774del, p.Ala592fs (NM_001349902.1, NM_001349903.2); c.*541del (NM_001410832.1); c.2001del, p.Gln667fs (NM_152841.2); c.1955+4515del (NM_001349905.1, NM_001349904.2); short protein forms Q672fs, Q667fs, Q690fs, A592fs.
Identifiers: ClinVar variation 3649593 (VCV003649593.2).
Genomic context (GRCh38, chr22:26,453,343, plus strand): 5'-AGAGGCTGAAGGCGCCATCCTGAGGGTTTGGGAAGCCGGAGCTCCGTGCTGCAGGTGCCA[GC>G]TGCTGGAAATATGTCTCCTGGATGGGGTTGCAACAGGCGTACACAGCCGTGGAGGCATTT-3'

ClinVar aggregate classification (germline): Pathogenic (1 of 4 stars; one submission).

Submission:

Labcorp Genetics (formerly Invitae), Labcorp
Classification: Pathogenic. Last evaluated: 2024-04-11. Review status: criteria provided, single submitter. Criteria: Invitae Variant Classification Sherloc (09022015). Collection method: clinical testing. Allele origin: germline.
Comment: This sequence change creates a premature translational stop signal (p.Gln672Hisfs*30) in the HPS4 gene. While this is not anticipated to result in nonsense mediated decay, it is expected to disrupt the last 37 amino acid(s) of the HPS4 protein. This variant is not present in population databases (gnomAD no frequency). This variant has not been reported in the literature in individuals affected with HPS4-related conditions. This variant disrupts a region of the HPS4 protein in which other variant(s) (p.Pro685Leufs*17) have been determined to be pathogenic (PMID: 15108212, 28983057, 30990103). This suggests that this is a clinically significant region of the protein, and that variants that disrupt it are likely to be disease-causing. For these reasons, this variant has been classified as Pathogenic.

Literature cited by the submitters: PubMed 15108212; PubMed 28983057; PubMed 30990103.